The following is an entry in ClinVar:

ClinVar aggregate classification (germline): Uncertain significance. Review status: criteria provided, multiple submitters, no conflicts (2 of 4 stars). 2 submissions from 2 submitters: Uncertain significance (2). Last evaluated 2026-03-04.

Conditions:
Charcot-Marie-Tooth disease type 2. Also called: Charcot-Marie-Tooth type 2. Identifiers: Orphanet 64746, MedGen C0270914, MONDO:0018993.
MFN2-related disorder. Also called: MFN2-related disorders; MFN2-related condition.

gnomAD v4.1: 5 of 1,614,064 alleles (0.00031%); highest among the groups gnomAD compares: Non-Finnish European, 0.00042%; no homozygotes.

Submissions (2):

PreventionGenetics, part of Exact Sciences
Classification: Uncertain significance for MFN2-related condition. Last evaluated: 2026-03-04. Review status: criteria provided, single submitter. Criteria: ACMG Guidelines, 2015. Collection method: clinical testing. Allele origin: germline.
Comment: The MFN2 c.2146G>T variant is predicted to result in the amino acid substitution p.Ala716Ser. To our knowledge, this variant has not been reported in the literature or in a large population database (gnomAD), indicating this variant is rare. At this time, the clinical significance of this variant is uncertain due to the absence of conclusive functional and genetic evidence.

Labcorp Genetics (formerly Invitae), Labcorp
Classification: Uncertain significance for Charcot-Marie-Tooth disease type 2. Last evaluated: 2024-12-16. Review status: criteria provided, single submitter. Criteria: Invitae Variant Classification Sherloc (09022015). Collection method: clinical testing. Allele origin: germline.
Comment: This sequence change replaces alanine, which is neutral and non-polar, with serine, which is neutral and polar, at codon 716 of the MFN2 protein (p.Ala716Ser). This variant is present in population databases (rs144860227, gnomAD 0.007%). This variant has not been reported in the literature in individuals affected with MFN2-related conditions. ClinVar contains an entry for this variant (Variation ID: 1466964). Invitae Evidence Modeling of protein sequence and biophysical properties (such as structural, functional, and spatial information, amino acid conservation, physicochemical variation, residue mobility, and thermodynamic stability) indicates that this missense variant is not expected to disrupt MFN2 protein function with a negative predictive value of 95%. In summary, the available evidence is currently insufficient to determine the role of this variant in disease. Therefore, it has been classified as a Variant of Uncertain Significance.

NM_014874.4(MFN2):c.2146G>T (p.Ala716Ser)

Gene: MFN2 (mitofusin 2; plus strand). Cytogenetic location: 1p36.22.
Variant type: single nucleotide variant.
Coding change: c.2146G>T on transcript NM_014874.4 (MANE Select); coding-DNA position 2146, G replaced by T.
Protein change: p.Ala716Ser; replaces alanine 716 with serine.
Molecular consequence: missense variant.
Genome position (GRCh38, 1-based): chr1:12,009,668, G>T. VCF-style: chr1-12009668-G-T. GRCh37 (hg19) VCF-style: chr1-12069725-G-T.
Other names: c.2146G>T, p.Ala716Ser (NM_001127660.2); c.2146G>T (NM_014874.3); short protein forms A716S.
Identifiers: ClinVar variation 1466964 (VCV001466964.7), dbSNP rs144860227, ClinGen allele CA599343.